The following is an entry in ClinVar:

NM_024408.4(NOTCH2):c.2155T>A (p.Ser719Thr)

Gene: NOTCH2 (notch receptor 2; minus strand). Cytogenetic location: 1p12.
Variant type: single nucleotide variant.
Coding change: c.2155T>A on transcript NM_024408.4 (MANE Select); coding-DNA position 2155, T replaced by A.
Protein change: p.Ser719Thr; replaces serine 719 with threonine.
Molecular consequence: missense variant.
Genome position (GRCh38, 1-based): chr1:119,955,104, A>T on the plus strand (T>A on the coding strand, the complement: NOTCH2 is on the minus strand). VCF-style: chr1-119955104-A-T. GRCh37 (hg19) VCF-style: chr1-120497727-A-T.
Other names: c.2155T>A, p.Ser719Thr (NM_001200001.2); short protein forms S719T.
Identifiers: ClinVar variation 1949206 (VCV001949206.5), dbSNP rs1553198249, ClinGen allele CA341866219.

ClinVar aggregate classification (germline): Uncertain significance (1 of 4 stars; one submission).

Conditions:
Hajdu-Cheney syndrome (HJCYS). Also called: ACROOSTEOLYSIS WITH OSTEOPOROSIS AND CHANGES IN SKULL AND MANDIBLE; SERPENTINE FIBULA-POLYCYSTIC KIDNEY SYNDROME; Acroosteolysis dominant type. Identifiers: Orphanet 955, MedGen C0917715, MONDO:0007057, OMIM 102500.

Allele frequency attached by ClinVar (database versions not stated): gnomAD exomes below 0.00001; gnomAD 0.00001.
gnomAD v4.1: 2 of 1,613,982 alleles (0.00012%); highest among the groups gnomAD compares: African/African-American, 0.0027%; no homozygotes.

Submission:

Labcorp Genetics (formerly Invitae), Labcorp
Classification: Uncertain significance for Hajdu-Cheney syndrome. Last evaluated: 2025-08-15. Review status: criteria provided, single submitter. Criteria: Invitae Variant Classification Sherloc (09022015). Collection method: clinical testing. Allele origin: germline.
Comment: This sequence change replaces serine, which is neutral and polar, with threonine, which is neutral and polar, at codon 719 of the NOTCH2 protein (p.Ser719Thr). This variant is present in population databases (no rsID available, gnomAD 0.01%). This variant has not been reported in the literature in individuals affected with NOTCH2-related conditions. ClinVar contains an entry for this variant (Variation ID: 1949206). Invitae Evidence Modeling of protein sequence and biophysical properties (such as structural, functional, and spatial information, amino acid conservation, physicochemical variation, residue mobility, and thermodynamic stability) indicates that this missense variant is not expected to disrupt NOTCH2 protein function with a negative predictive value of 95%. In summary, the available evidence is currently insufficient to determine the role of this variant in disease. Therefore, it has been classified as a Variant of Uncertain Significance.